The following is an entry in ClinVar:

ClinVar aggregate classification (germline): Likely pathogenic (1 of 4 stars; one submission).

Allele frequency attached by ClinVar (database versions not stated): ExAC 0.00001.
gnomAD v4.1: 3 of 1,613,826 alleles (0.00019%); highest among the groups gnomAD compares: Admixed American, 0.0033%; no homozygotes.

Submission:

Labcorp Genetics (formerly Invitae), Labcorp
Classification: Likely pathogenic. Last evaluated: 2022-11-23. Review status: criteria provided, single submitter. Criteria: Invitae Variant Classification Sherloc (09022015). Collection method: clinical testing. Allele origin: germline.
Comment: This sequence change affects a donor splice site in intron 7 of the ACBD5 gene. It is expected to disrupt RNA splicing. Variants that disrupt the donor or acceptor splice site typically lead to a loss of protein function (PMID: 16199547), and loss-of-function variants in ACBD5 are known to be pathogenic (PMID: 23105016, 27799409). This variant is present in population databases (rs775769747, gnomAD 0.006%). This variant has not been reported in the literature in individuals affected with ACBD5-related conditions. Algorithms developed to predict the effect of sequence changes on RNA splicing suggest that this variant may disrupt the consensus splice site. In summary, the currently available evidence indicates that the variant is pathogenic, but additional data are needed to prove that conclusively. Therefore, this variant has been classified as Likely Pathogenic.

Literature cited by the submitters: PubMed 16199547; PubMed 23105016; PubMed 27799409.

NM_145698.5(ACBD5):c.829+1G>A

Gene: ACBD5 (acyl-CoA binding domain containing 5; minus strand). Cytogenetic location: 10p12.1.
Variant type: single nucleotide variant.
Coding change: c.829+1G>A on transcript NM_145698.5 (MANE Select); the canonical splice donor site of the intron after coding-DNA position 829, G replaced by A.
Molecular consequence: splice donor variant. On other transcripts: intron variant (6).
Genome position (GRCh38, 1-based): chr10:27,217,979, C>T on the plus strand (G>A on the coding strand, the complement: ACBD5 is on the minus strand). VCF-style: chr10-27217979-C-T. GRCh37 (hg19) VCF-style: chr10-27506908-C-T.
Other names: c.829+1G>A (NM_001352570.1); c.502+1G>A (NM_001301253.2, NM_001301251.2, NM_001352583.1 and 2 more transcripts); c.670+1G>A (NM_001352580.2); c.724+1G>A (NM_001352577.2, NM_001042473.4, NM_001352578.2 and 1 more transcripts); c.757+1G>A (NM_001352575.2, NM_001352574.2, NM_001352576.2); c.520+1744G>A (NM_001352582.2); c.535+1G>A (NM_001352585.1); c.850+1G>A (NM_001352572.1); and 10 more.
Identifiers: ClinVar variation 2781413 (VCV002781413.3), dbSNP rs775769747, ClinGen allele CA5450823.